The following is an entry in ClinVar:

NM_201525.4(ADGRG1):c.1874C>T (p.Ala625Val)

Gene: ADGRG1 (adhesion G protein-coupled receptor G1; plus strand). Cytogenetic location: 16q21.
Variant type: single nucleotide variant.
Coding change: c.1874C>T on transcript NM_201525.4 (MANE Select); coding-DNA position 1874, C replaced by T.
Protein change: p.Ala625Val; replaces alanine 625 with valine.
Molecular consequence: missense variant.
Genome position (GRCh38, 1-based): chr16:57,661,906, C>T. VCF-style: chr16-57661906-C-T. GRCh37 (hg19) VCF-style: chr16-57695818-C-T.
Other names: c.1874C>T, p.Ala625Val (NM_001145770.3, NM_001145772.3, NM_001145774.3 and 7 more transcripts); c.1892C>T, p.Ala631Val (NM_001145771.3, NM_001370428.1, NM_001370429.1 and 4 more transcripts); c.1889C>T, p.Ala630Val (NM_001145773.3, NM_001370433.1, NM_001370434.1); c.1382C>T, p.Ala461Val (NM_001290142.2); c.1367C>T, p.Ala456Val (NM_001290143.2); c.1349C>T, p.Ala450Val (NM_001290144.2, NM_001370451.1, NM_001370453.1 and 1 more transcripts); c.1871C>T, p.Ala624Val (NM_001370441.1); c.1718C>T, p.Ala573Val (NM_001370442.1); and 1 more; short protein forms A573V, A456V, A461V, A624V, A630V, A631V, A450V, A625V.
Identifiers: ClinVar variation 2200298 (VCV002200298.2), dbSNP rs755050394, ClinGen allele CA8078881.

ClinVar aggregate classification (germline): Uncertain significance. Review status: criteria provided, multiple submitters, no conflicts (2 of 4 stars). 2 submissions from 2 submitters: Uncertain significance (2). Last evaluated 2024-08-27.

Conditions:
Inborn genetic diseases. Identifiers: MedGen C0950123, MeSH D030342.

Allele frequency attached by ClinVar (database versions not stated): TOPMed below 0.00001; gnomAD 0.00001; ExAC 0.00002; gnomAD exomes 0.00002.
gnomAD v4.1: 29 of 1,614,260 alleles (0.0018%); highest among the groups gnomAD compares: Middle Eastern, 0.049%; no homozygotes.

Submissions (2):

Ambry Genetics
Classification: Uncertain significance for Inborn genetic diseases. Last evaluated: 2024-08-27. Review status: criteria provided, single submitter. Criteria: Ambry Variant Classification Scheme 2023. Collection method: clinical testing. Allele origin: germline.

Labcorp Genetics (formerly Invitae), Labcorp
Classification: Uncertain significance. Last evaluated: 2022-08-16. Review status: criteria provided, single submitter. Criteria: Invitae Variant Classification Sherloc (09022015). Collection method: clinical testing. Allele origin: germline.
Comment: This sequence change replaces alanine, which is neutral and non-polar, with valine, which is neutral and non-polar, at codon 631 of the ADGRG1 protein (p.Ala631Val). This variant is present in population databases (rs755050394, gnomAD 0.004%). This variant has not been reported in the literature in individuals affected with ADGRG1-related conditions. Advanced modeling of protein sequence and biophysical properties (such as structural, functional, and spatial information, amino acid conservation, physicochemical variation, residue mobility, and thermodynamic stability) performed at Invitae indicates that this missense variant is not expected to disrupt ADGRG1 protein function. In summary, the available evidence is currently insufficient to determine the role of this variant in disease. Therefore, it has been classified as a Variant of Uncertain Significance.